The following is an entry in ClinVar:

ClinVar aggregate classification (germline): Uncertain significance (1 of 4 stars; one submission).

Conditions:
Hereditary cancer-predisposing syndrome. Also called: Hereditary Cancer Syndrome; Hereditary neoplastic syndrome; Neoplastic Syndromes, Hereditary; Tumor predisposition. Identifiers: Orphanet 140162, MedGen C0027672, MeSH D009386, MONDO:0015356.

Submission:

Ambry Genetics
Classification: Uncertain significance for Hereditary cancer-predisposing syndrome. Last evaluated: 2021-02-16. Review status: criteria provided, single submitter. Criteria: Ambry Variant Classification Scheme 2023. Collection method: clinical testing. Allele origin: germline.
Comment: The p.T190S variant (also known as c.568A>T), located in coding exon 3 of the PHOX2B gene, results from an A to T substitution at nucleotide position 568. The threonine at codon 190 is replaced by serine, an amino acid with similar properties. This amino acid position is well conserved in available vertebrate species. In addition, this alteration is predicted to be tolerated by in silico analysis. Since supporting evidence is limited at this time, the clinical significance of this alteration remains unclear.

NM_003924.4(PHOX2B):c.568A>T (p.Thr190Ser)

Gene: PHOX2B (paired like homeobox 2B; minus strand). Cytogenetic location: 4p13.
Variant type: single nucleotide variant.
Coding change: c.568A>T on transcript NM_003924.4 (MANE Select); coding-DNA position 568, A replaced by T.
Protein change: p.Thr190Ser; replaces threonine 190 with serine.
Molecular consequence: missense variant.
Genome position (GRCh38, 1-based): chr4:41,746,184, T>A on the plus strand (A>T on the coding strand, the complement: PHOX2B is on the minus strand). VCF-style: chr4-41746184-T-A. GRCh37 (hg19) VCF-style: chr4-41748201-T-A.
Other names: short protein forms T190S.
Identifiers: ClinVar variation 1749061 (VCV001749061.2), dbSNP rs1733892761, ClinGen allele CA356737970.